The following is an entry in ClinVar:

ClinVar aggregate classification (germline): Pathogenic/Likely pathogenic. Review status: criteria provided, multiple submitters, no conflicts (2 of 4 stars). 2 submissions from 2 submitters: Pathogenic (1); Likely pathogenic (1). Last evaluated 2024-04-25.

Conditions:
Bardet-Biedl syndrome 15 (BBS15). Identifiers: Orphanet 110, MedGen C3150127, MONDO:0014443, OMIM 615992.
Heart defect - tongue hamartoma - polysyndactyly syndrome. Also called: Congenital heart defects, hamartomas of tongue, and polysyndactyly. Identifiers: Orphanet 1338, MedGen C1857587, MONDO:0009008, OMIM 217085.
Bardet-Biedl syndrome (BBS). Identifiers: Orphanet 110, MedGen C0752166, MONDO:0015229.

Submissions (2):

Labcorp Genetics (formerly Invitae), Labcorp
Classification: Pathogenic for Bardet-Biedl syndrome. Last evaluated: 2024-04-25. Review status: criteria provided, single submitter. Criteria: Invitae Variant Classification Sherloc (09022015). Collection method: clinical testing. Allele origin: germline.
Comment: This sequence change creates a premature translational stop signal (p.Lys183*) in the WDPCP gene. It is expected to result in an absent or disrupted protein product. Loss-of-function variants in WDPCP are known to be pathogenic (PMID: 20671153, 25427950, 27158779). This variant is not present in population databases (gnomAD no frequency). This variant has not been reported in the literature in individuals affected with WDPCP-related conditions. ClinVar contains an entry for this variant (Variation ID: 1076112). Algorithms developed to predict the effect of sequence changes on RNA splicing suggest that this variant may disrupt the consensus splice site. For these reasons, this variant has been classified as Pathogenic.

Fulgent Genetics
Classification: Likely pathogenic for Heart defect - tongue hamartoma - polysyndactyly syndrome; Bardet-Biedl syndrome 15. Last evaluated: 2021-08-19. Review status: criteria provided, single submitter. Criteria: ACMG Guidelines, 2015. Collection method: clinical testing. Allele origin: unknown.

Literature cited by the submitters: PubMed 20671153 (cited by Labcorp Genetics (formerly Invitae), Labcorp); PubMed 25427950 (cited by Labcorp Genetics (formerly Invitae), Labcorp); PubMed 27158779 (cited by Labcorp Genetics (formerly Invitae), Labcorp).

NM_015910.7(WDPCP):c.547A>T (p.Lys183Ter)

Gene: WDPCP (WD repeat containing planar cell polarity effector; minus strand). Cytogenetic location: 2p15.
Variant type: single nucleotide variant.
Coding change: c.547A>T on transcript NM_015910.7 (MANE Select); coding-DNA position 547, A replaced by T.
Protein change: p.Lys183Ter; replaces lysine 183 with a stop codon.
Molecular consequence: nonsense. On other transcripts: non-coding transcript variant (3).
Genome position (GRCh38, 1-based): chr2:63,437,507, T>A on the plus strand (A>T on the coding strand, the complement: WDPCP is on the minus strand). VCF-style: chr2-63437507-T-A. GRCh37 (hg19) VCF-style: chr2-63664641-T-A.
Other names: c.70A>T, p.Lys24Ter (NM_001042692.3); c.475A>T, p.Lys159Ter (NM_001354044.2); c.547A>T, p.Lys183Ter (NM_001354045.2); short protein forms K159*, K183*, K24*.
Identifiers: ClinVar variation 1076112 (VCV001076112.8), dbSNP rs2105500878, ClinGen allele CA347063734.